The following is an entry in ClinVar:

ClinVar aggregate classification (germline): Uncertain significance (1 of 4 stars; one submission).

Conditions:
Dystonia 12 (DYT12). Also called: DYT-ATP1A3; Rapid-Onset Dystonia-Parkinsonism (RDP). Identifiers: Orphanet 71517, MedGen C1868681, MONDO:0007496, OMIM 128235.

Submission:

Labcorp Genetics (formerly Invitae), Labcorp
Classification: Uncertain significance for Dystonia 12. Last evaluated: 2018-03-07. Review status: criteria provided, single submitter. Criteria: Invitae Variant Classification Sherloc (09022015). Collection method: clinical testing. Allele origin: germline.
Comment: This variant is not present in population databases (ExAC no frequency). This sequence change replaces leucine with proline at codon 411 of the ATP1A3 protein (p.Leu411Pro). The leucine residue is highly conserved and there is a moderate physicochemical difference between leucine and proline. This variant has not been reported in the literature in individuals with ATP1A3-related disease. In summary, the available evidence is currently insufficient to determine the role of this variant in disease. Therefore, it has been classified as a Variant of Uncertain Significance. Algorithms developed to predict the effect of missense changes on protein structure and function do not agree on the potential impact of this missense change (SIFT: "Deleterious"; PolyPhen-2: "Probably Damaging"; Align-GVGD: "Class C0").

NM_152296.5(ATP1A3):c.1232T>C (p.Leu411Pro)

Gene: ATP1A3 (ATPase Na+/K+ transporting subunit alpha 3; minus strand). Cytogenetic location: 19q13.2.
Variant type: single nucleotide variant.
Coding change: c.1232T>C on transcript NM_152296.5 (MANE Select); coding-DNA position 1232, T replaced by C.
Protein change: p.Leu411Pro; replaces leucine 411 with proline.
Molecular consequence: missense variant.
Genome position (GRCh38, 1-based): chr19:41,981,792, A>G on the plus strand (T>C on the coding strand, the complement: ATP1A3 is on the minus strand). VCF-style: chr19-41981792-A-G. GRCh37 (hg19) VCF-style: chr19-42485944-A-G.
Other names: c.1265T>C, p.Leu422Pro (NM_001256213.2); c.1271T>C, p.Leu424Pro (NM_001256214.2); short protein forms L411P, L422P, L424P.
Identifiers: ClinVar variation 578947 (VCV000578947.8), dbSNP rs1568862410, ClinGen allele CA406050461.
Genomic context (GRCh38, chr19:41,981,792, plus strand): 5'-GGGATGTTGTCCTGACCACCCTTGAAGACAGCGCGATTGCAGAGCCCAGCGATGTGAGAC[A>G]GGGCCACCCAGGTGTGCGAACTCTTGTCAAATGAGGTCCCTGGGGGAGGCATGTGTGAGG-3'
Protein context (NP_689509.1, residues 401-421): FDKSSHTWVA[Leu411Pro]SHIAGLCNRA